The following is an entry in ClinVar:

ClinVar aggregate classification (germline): Uncertain significance (1 of 4 stars; one submission).

Conditions:
Hereditary spastic paraplegia 31. Also called: SPASTIC PARAPLEGIA 31, AUTOSOMAL DOMINANT. Identifiers: Orphanet 101011, MedGen C1853247, MONDO:0012453, OMIM 610250.

Submission:

Labcorp Genetics (formerly Invitae), Labcorp
Classification: Uncertain significance for Hereditary spastic paraplegia 31. Last evaluated: 2022-11-07. Review status: criteria provided, single submitter. Criteria: Invitae Variant Classification Sherloc (09022015). Collection method: clinical testing. Allele origin: germline.
Comment: In summary, the available evidence is currently insufficient to determine the role of this variant in disease. Therefore, it has been classified as a Variant of Uncertain Significance. Algorithms developed to predict the effect of missense changes on protein structure and function are either unavailable or do not agree on the potential impact of this missense change (SIFT: "Tolerated"; PolyPhen-2: "Probably Damaging"; Align-GVGD: "Class C0"). This variant has not been reported in the literature in individuals affected with REEP1-related conditions. This variant is present in population databases (no rsID available, gnomAD 0.003%). This sequence change replaces proline, which is neutral and non-polar, with arginine, which is basic and polar, at codon 173 of the REEP1 protein (p.Pro173Arg).

NM_001371279.1(REEP1):c.518C>G (p.Pro173Arg)

Gene: REEP1 (receptor accessory protein 1; minus strand). Cytogenetic location: 2p11.2.
Variant type: single nucleotide variant.
Coding change: c.518C>G on transcript NM_001371279.1 (MANE Select); coding-DNA position 518, C replaced by G.
Protein change: p.Pro173Arg; replaces proline 173 with arginine.
Molecular consequence: missense variant. On other transcripts: intron variant (1).
Genome position (GRCh38, 1-based): chr2:86,232,702, G>C on the plus strand (C>G on the coding strand, the complement: REEP1 is on the minus strand). VCF-style: chr2-86232702-G-C. GRCh37 (hg19) VCF-style: chr2-86459825-G-C.
Other names: c.539C>G, p.Pro180Arg (NM_001164730.2); c.437C>G, p.Pro146Arg (NM_001164731.2); c.283C>G, p.Arg95Gly (NM_001164732.2); c.518C>G, p.Pro173Arg (NM_001410855.1, NM_001410856.1, NM_022912.3); c.418-15592C>G (NM_001371280.1); short protein forms P180R, R95G, P146R, P173R.
Identifiers: ClinVar variation 2812514 (VCV002812514.3), dbSNP rs777245164, ClinGen allele CA347547281.